The following is an entry in ClinVar:

ClinVar aggregate classification (germline): Likely benign. Review status: criteria provided, multiple submitters, no conflicts (2 of 4 stars). 4 submissions from 4 submitters: Likely benign (3). 1 of the submissions does not count toward it. Last evaluated 2021-08-05.

Conditions:
Hereditary cancer-predisposing syndrome. Also called: Neoplastic Syndromes, Hereditary; Hereditary neoplastic syndrome; Hereditary Cancer Syndrome; Tumor predisposition. Identifiers: Orphanet 140162, MedGen C0027672, MeSH D009386, MONDO:0015356.
Malignant tumor of breast. Also called: Malignant breast neoplasm; Cancer breast. Identifiers: MedGen C0006142, MONDO:0007254. Disease mechanism: loss of function.
Hereditary breast ovarian cancer syndrome. Also called: Hereditary breast and ovarian cancer syndrome; Breast and ovarian cancer; Hereditary breast and ovarian cancer syndrome (HBOC); Hereditary breast and/or ovarian cancer syndrome; BRCA1- and BRCA2-Associated Hereditary Breast and Ovarian Cancer; Hereditary breast and ovarian cancer. Identifiers: Orphanet 145, MedGen C0677776, MeSH D061325, MONDO:0003582. Disease mechanism: loss of function.

Submissions (5):

Labcorp Genetics (formerly Invitae), Labcorp
Classification: Likely benign for Hereditary breast ovarian cancer syndrome. Last evaluated: 2021-08-05. Review status: criteria provided, single submitter. Criteria: Invitae Variant Classification Sherloc (09022015). Collection method: clinical testing. Allele origin: germline.

Ambry Genetics
Classification: Likely benign for Hereditary cancer-predisposing syndrome. Last evaluated: 2020-03-02. Review status: criteria provided, single submitter. Criteria: Ambry Variant Classification Scheme 2023. Collection method: clinical testing. Allele origin: germline.

GeneDx
Classification: Likely benign. Last evaluated: 2016-12-28. Review status: criteria provided, single submitter. Criteria: GeneDx Variant Classification (06012015). Collection method: clinical testing. Allele origin: germline. Affected: yes.
Comment: This variant is considered likely benign or benign based on one or more of the following criteria: it is a conservative change, it occurs at a poorly conserved position in the protein, it is predicted to be benign by multiple in silico algorithms, and/or has population frequency not consistent with disease.

Brotman Baty Institute, University of Washington
No classification provided (evidence only). Condition: Breast-ovarian cancer, familial 1. Review status: no classification provided. Collection method: in vitro. Allele origin: not applicable. Functional consequence: functionally_normal. Not counted in ClinVar's aggregate classification.
ClinVar note: "not provided" was previously submitted as the classification for the variant. However, the classification appeared to be based only on an observation of functional data so it was converted to no classification on 2025-07-30.

Department of Pathology and Laboratory Medicine, Sinai Health System
Classification: Likely benign for Malignant tumor of breast. Review status: no assertion criteria provided. Collection method: clinical testing. Allele origin: unknown. Affected: yes. Observed: 1 variant allele. Study: The Canadian Open Genetics Repository (COGR). Not counted in ClinVar's aggregate classification.
Comment: The c.5194-4T>C variant was not identified in the literature, nor was it reported in the HGMD, Exome Variant Server, UMD, or LOVD databases. It is located in the 3' splice region of BRCA1 intron 19 but does not affect the highly conserved -1 and -2 positions. Positions -3 and -5 to -12 are part of the splicing consensus sequence and variants involving these positions sometimes affect splicing; however, this variant is located at position -4 where the nucleotide present may vary. In-silico or computational prediction software (SpliceSiteFinder, MaxEntScan, NNSPLICE, GeneSplicer, HumanSpliceFinder) did not predict a significant difference in splicing. However, this information is not predictive enough to rule out pathogenicity. In summary, based on the above information, the clinical significance of this variant cannot be determined with certainty at this time although we would lean towards a more benign role for this variant. This variant is classified as predicted benign.

NM_007294.4(BRCA1):c.5194-4T>C

Gene: BRCA1 (BRCA1 DNA repair associated; minus strand). Cytogenetic location: 17q21.31.
Variant type: single nucleotide variant.
Coding change: c.5194-4T>C on transcript NM_007294.4 (MANE Select); 4 bases into the intron before coding-DNA position 5194, T replaced by C.
Molecular consequence: intron variant.
Genome position (GRCh38, 1-based): chr17:43,057,139, A>G on the plus strand (T>C on the coding strand, the complement: BRCA1 is on the minus strand). VCF-style: chr17-43057139-A-G. GRCh37 (hg19) VCF-style: chr17-41209156-A-G.
Other names: c.1741-4T>C (NM_001408458.1, NM_001408461.1, NM_001408464.1 and 7 more transcripts); c.4303-4T>C (NM_001407967.1); c.4813-4T>C (NM_001407959.1); c.4927-4T>C (NM_001407931.1, NM_001407932.1, NM_001407928.1 and 4 more transcripts); c.5050-4T>C (NM_001407747.1, NM_001407745.1, NM_001407737.1 and 21 more transcripts); c.4810-4T>C (NM_001407962.1, NM_001407960.1); c.1381-4T>C (NM_001408512.1); c.1504-4T>C (NM_001408510.1); and 72 more.
Identifiers: ClinVar variation 392362 (VCV000392362.15), dbSNP rs1057524456, ClinGen allele CA16607254.